The following is an entry in ClinVar:

NM_000051.4(ATM):c.8826G>A (p.Gln2942=)

Genes: C11orf65 (chromosome 11 open reading frame 65; minus strand), ATM (ATM serine/threonine kinase; plus strand). Cytogenetic location: 11q22.3.
Variant type: single nucleotide variant.
Coding change: c.8826G>A on transcript NM_000051.4 (MANE Select); coding-DNA position 8826, G replaced by A.
Protein change: p.Gln2942=; no amino-acid change (glutamine 2942 retained).
Molecular consequence: synonymous variant. On other transcripts: intron variant (2).
Genome position (GRCh38, 1-based): chr11:108,354,850, G>A. VCF-style: chr11-108354850-G-A. GRCh37 (hg19) VCF-style: chr11-108225577-G-A.
Other names: c.8826G>A, p.Gln2942= (NM_001351834.2); c.640+31070C>T (NM_001330368.2); c.695-19558C>T (NM_001351110.2).
Identifiers: ClinVar variation 1932261 (VCV001932261.6), dbSNP rs2137351461, ClinGen allele CA476674092.

ClinVar aggregate classification (germline): Benign/Likely benign. Review status: criteria provided, multiple submitters, no conflicts (2 of 4 stars). 3 submissions from 3 submitters: Benign (1); Likely benign (2). Last evaluated 2025-12-19.

Conditions:
Hereditary cancer-predisposing syndrome. Also called: Tumor predisposition; Hereditary Cancer Syndrome; Hereditary neoplastic syndrome; Neoplastic Syndromes, Hereditary. Identifiers: Orphanet 140162, MedGen C0027672, MeSH D009386, MONDO:0015356.
Familial cancer of breast. Also called: BREAST CANCER, FAMILIAL; Hereditary breast cancer; hereditary breast carcinoma. Identifiers: Orphanet 227535, MedGen C0346153, MONDO:0016419, OMIM 114480. Disease mechanism: loss of function.
Ataxia-telangiectasia syndrome (AT). Also called: Ataxia-telangiectasia, complementation group D; AT, COMPLEMENTATION GROUP C; ATAXIA-TELANGIECTASIA, COMPLEMENTATION GROUP A; ATAXIA-TELANGIECTASIA, FRESNO VARIANT; Ataxia-telangiectasia, complementation group E; LOUIS-BAR SYNDROME. Identifiers: Orphanet 100, MedGen C0004135, MONDO:0008840, OMIM 208900.

Submissions (3):

Ambry Genetics
Classification: Likely benign for Hereditary cancer-predisposing syndrome. Last evaluated: 2025-12-19. Review status: criteria provided, single submitter. Criteria: Ambry Variant Classification Scheme 2023. Collection method: clinical testing. Allele origin: germline.

Myriad Genetics, Inc.
Classification: Benign for Familial cancer of breast. Last evaluated: 2024-06-21. Review status: criteria provided, single submitter. Criteria: Myriad Autosomal Dominant, Autosomal Recessive and X-Linked Classification Criteria (2023). Collection method: clinical testing. Allele origin: unknown.
Comment: This variant is considered benign. This variant is a silent/synonymous amino acid change and it is not expected to impact splicing.

Labcorp Genetics (formerly Invitae), Labcorp
Classification: Likely benign for Ataxia-telangiectasia syndrome. Last evaluated: 2021-12-29. Review status: criteria provided, single submitter. Criteria: Invitae Variant Classification Sherloc (09022015). Collection method: clinical testing. Allele origin: germline.